The following is an entry in ClinVar:

ClinVar aggregate classification (germline): Conflicting classifications of pathogenicity. Review status: criteria provided, conflicting classifications (1 of 4 stars). 5 submissions from 5 submitters: Uncertain significance (2); Benign (1); Likely benign (2). Last evaluated 2025-12-11.

Conditions:
Hereditary spastic paraplegia. Also called: Familial spastic paraparesis. Identifiers: Orphanet 685, MedGen C0037773, MONDO:0019064. Disease mechanism: loss of function.
Hereditary spastic paraplegia 48. Also called: Spastic paraplegia 48; SPASTIC PARAPLEGIA 48, AUTOSOMAL RECESSIVE. Identifiers: Orphanet 306511, MedGen C3150901, MONDO:0013342, OMIM 613647.

Allele frequency attached by ClinVar (database versions not stated): gnomAD 0.00015 and 0.00017; TOPMed 0.00015; gnomAD exomes 0.00022 and 0.00031; ESP Exome Variant Server 0.00033; ExAC 0.00034.
gnomAD v4.1: 380 of 1,611,810 alleles (0.024%); highest among the groups gnomAD compares: Middle Eastern, 0.54%; 1 homozygote.

Submissions (6):

Labcorp Genetics (formerly Invitae), Labcorp
Classification: Benign for Hereditary spastic paraplegia 48. Last evaluated: 2025-12-11. Review status: criteria provided, single submitter. Criteria: Invitae Variant Classification Sherloc (09022015). Collection method: clinical testing. Allele origin: germline.

Mayo Clinic Laboratories, Mayo Clinic
Classification: Likely benign. Last evaluated: 2025-05-28. Review status: criteria provided, single submitter. Criteria: ACMG Guidelines, 2015. Collection method: clinical testing. Allele origin: germline. Observed: 2 variant alleles.
Comment: BS1, BP4, BP7

Blueprint Genetics
Classification: Likely benign. Last evaluated: 2024-06-10. Review status: criteria provided, single submitter. Criteria: ACMG Guidelines, 2015. Collection method: clinical testing. Allele origin: germline.

Genome Diagnostics Laboratory, The Hospital for Sick Children
Classification: Uncertain significance for Hereditary spastic paraplegia. Last evaluated: 2018-11-01. Review status: criteria provided, single submitter. Criteria: ACMG Guidelines, 2015. Collection method: clinical testing. Allele origin: germline. Affected: yes.

Illumina Laboratory Services, Illumina
Classification: Uncertain significance for Hereditary spastic paraplegia 48. Last evaluated: 2018-01-12. Review status: criteria provided, single submitter. Criteria: ICSL Variant Classification Criteria 13 December 2019. Collection method: clinical testing. Allele origin: germline.

Dr. Peter K. Rogan Lab, Western University
No classification provided (evidence only). Condition: Gastric cancer. Review status: no classification provided. Collection method: in vitro. Allele origin: not applicable. Functional consequence: retained intron. Not counted in ClinVar's aggregate classification.

NM_014855.3(AP5Z1):c.1953C>T (p.Gly651=)

Gene: AP5Z1 (adaptor related protein complex 5 subunit zeta 1; plus strand). Cytogenetic location: 7p22.1.
Variant type: single nucleotide variant.
Coding change: c.1953C>T on transcript NM_014855.3 (MANE Select); coding-DNA position 1953, C replaced by T.
Protein change: p.Gly651=; no amino-acid change (glycine 651 retained).
Molecular consequence: synonymous variant. On other transcripts: non-coding transcript variant (1).
Genome position (GRCh38, 1-based): chr7:4,790,687, C>T. VCF-style: chr7-4790687-C-T. GRCh37 (hg19) VCF-style: chr7-4830318-C-T.
Other names: p.Gly651=; c.1953C>T, p.Gly651= (LRG_1247t1); c.1485C>T, p.Gly495= (NM_001364858.1).
Identifiers: ClinVar variation 360342 (VCV000360342.17), dbSNP rs200617745, ClinGen allele CA4138234.
Genomic context (GRCh38, chr7:4,790,687, plus strand): 5'-ACCCAGGAGGCCTGGGTGGGGGCTGAATCTCTGTCCCCGGGCCTAGGTGTGGGCCATCGG[C>T]GAGTACCTGTCGGTGACCTACGATCGGAGGTGCACCGTGGAGCAGATCAACAAGTTCTTC-3'
Protein context (NP_055670.1, residues 641-661): SLVTSVVWAI[Gly651=]EYLSVTYDRR